The following is an entry in ClinVar:

NM_003070.5(SMARCA2):c.4295_4296insCAAGGAAAGAATTAC (p.Ser1432_Arg1433insLysGluArgIleThr)

Gene: SMARCA2 (SWI/SNF related BAF chromatin remodeling complex subunit ATPase 2; plus strand). Cytogenetic location: 9p24.3.
Variant type: Insertion.
Coding change: c.4295_4296insCAAGGAAAGAATTAC on transcript NM_003070.5 (MANE Select); coding-DNA positions 4295 to 4296, CAAGGAAAGAATTAC inserted.
Protein change: p.Ser1432_Arg1433insLysGluArgIleThr.
Molecular consequence: inframe insertion. On other transcripts: inframe indel (3).
Genome position: GRCh38 VCF-style: chr9-2181611-T-TCCAAGGAAAGAATTA. GRCh37 (hg19) VCF-style: chr9-2181611-T-TCCAAGGAAAGAATTA.
Other names: c.4295_4296insCAAGGAAAGAATTAC, p.Ser1432_Arg1433insLysGluArgIleThr (NM_001289396.2); c.4067_4068insCAAGGAAAGAATTAC, p.Ser1356_Arg1357insLysGluArgIleThr (NM_001289397.2); c.269_270insCAAGGAAAGAATTAC, p.Ser90_Arg91insLysGluArgIleThr (NM_001289398.2); c.353_354insCAAGGAAAGAATTAC, p.Ser118_Arg119insLysGluArgIleThr (NM_001289399.2); c.359_360insCAAGGAAAGAATTAC, p.Ser120_Arg121insLysGluArgIleThr (NM_001289400.2); c.4241_4242insCAAGGAAAGAATTAC, p.Ser1414_Arg1415insLysGluArgIleThr (NM_139045.4).
Identifiers: ClinVar variation 2500089 (VCV002500089.2), dbSNP rs2534749358, ClinGen allele CA2580080190.
Genomic context (GRCh38, chr9:2,181,611, plus strand): 5'-TTGTTTCACCCATCCTACAGTTCAGGGCGACAGCTCAGTGAAGTCTTCATTCAGTTACCT[T>TCCAAGGAAAGAATTA]CAAGGAAAGAATTACCAGAATACTATGAATTAATTAGGAAGCCAGTGGATTTCAAAAAAA-3'

ClinVar aggregate classification (germline): Uncertain significance (1 of 4 stars; one submission).

Conditions:
Nicolaides-Baraitser syndrome (NCBRS). Also called: Intellectual disability-sparse hair-brachydactyly syndrome; SMARCA2-Related Nicolaides-Baraitser Syndrome. Identifiers: Orphanet 3051, MedGen C1303073, MONDO:0011053, OMIM 601358.
Blepharophimosis-impaired intellectual development syndrome. Identifiers: Orphanet 637013, MedGen C5443984, MONDO:0859139, OMIM 619293.

Submission:

Center for Genomics, Ann and Robert H. Lurie Children's Hospital of Chicago
Classification: Uncertain significance for Nicolaides-Baraitser syndrome; Blepharophimosis-impaired intellectual development syndrome. Review status: criteria provided, single submitter. Criteria: ACMG Guidelines, 2015. Collection method: clinical testing. Allele origin: germline.
Comment: SMARCA2 NM_003070.4 exon 30 p.Ser1432_Arg1433insLysGluArgIleThr (c.4295_4296ins15): This variant has not been reported in the literature and is not present in large control databases. Evolutionary conservation and computational predictive tools for this variant are limited or unavailable. This variant is an insertion of 15 nucleotides at position 4295 and results in an in-frame insertion of 5 amino acids at amino acid position 1432; this variant is not predicted to alter the reading frame. However, the effect of this variant on the protein is unclear. In summary, data on this variant is insufficient for disease classification. Therefore, the clinical significance of this variant is uncertain